The following is an entry in ClinVar:

ClinVar aggregate classification (germline): Uncertain significance (1 of 4 stars; one submission).

Submission:

Labcorp Genetics (formerly Invitae), Labcorp
Classification: Uncertain significance. Last evaluated: 2022-05-12. Review status: criteria provided, single submitter. Criteria: Invitae Variant Classification Sherloc (09022015). Collection method: clinical testing. Allele origin: germline.
Comment: In summary, the available evidence is currently insufficient to determine the role of this variant in disease. Therefore, it has been classified as a Variant of Uncertain Significance. Algorithms developed to predict the effect of missense changes on protein structure and function are either unavailable or do not agree on the potential impact of this missense change (SIFT: "Tolerated"; PolyPhen-2: "Not Available"; Align-GVGD: "Class C0"). This variant has not been reported in the literature in individuals affected with MICU1-related conditions. This variant is not present in population databases (gnomAD no frequency). This sequence change replaces alanine, which is neutral and non-polar, with serine, which is neutral and polar, at codon 279 of the MICU1 protein (p.Ala279Ser).

NM_001195518.2(MICU1):c.829G>T (p.Ala277Ser)

Gene: MICU1 (mitochondrial calcium uptake 1; minus strand). Cytogenetic location: 10q22.1.
Variant type: single nucleotide variant.
Coding change: c.829G>T on transcript NM_001195518.2 (MANE Select); coding-DNA position 829, G replaced by T.
Protein change: p.Ala277Ser; replaces alanine 277 with serine.
Molecular consequence: missense variant.
Genome position (GRCh38, 1-based): chr10:72,475,204, C>A on the plus strand (G>T on the coding strand, the complement: MICU1 is on the minus strand). VCF-style: chr10-72475204-C-A. GRCh37 (hg19) VCF-style: chr10-74234962-C-A.
Other names: c.235G>T, p.Ala79Ser (NM_001195519.2); c.847G>T, p.Ala283Ser (NM_001363513.2); c.835G>T, p.Ala279Ser (NM_006077.4); short protein forms A279S, A79S, A277S, A283S.
Identifiers: ClinVar variation 1953241 (VCV001953241.5), dbSNP rs2495370016, ClinGen allele CA377392805.